The following is an entry in ClinVar:

NM_000214.3(JAG1):c.446A>T (p.Asp149Val)

Gene: JAG1 (jagged canonical Notch ligand 1; minus strand). Cytogenetic location: 20p12.2.
Variant type: single nucleotide variant.
Coding change: c.446A>T on transcript NM_000214.3 (MANE Select); coding-DNA position 446, A replaced by T.
Protein change: p.Asp149Val; replaces aspartic acid 149 with valine.
Molecular consequence: missense variant.
Genome position (GRCh38, 1-based): chr20:10,658,716, T>A on the plus strand (A>T on the coding strand, the complement: JAG1 is on the minus strand). VCF-style: chr20-10658716-T-A. GRCh37 (hg19) VCF-style: chr20-10639364-T-A.
Other names: short protein forms D149V.
Identifiers: ClinVar variation 3573310 (VCV003573310.2).

Conditions:
Arteriohepatic dysplasia. Also called: Alagille Syndrome. Identifiers: Orphanet 52, MedGen C0085280, MeSH D016738, MONDO:0007318.

Submission:

Gilbert/Spinner Lab, Children's Hospital of Philadelphia
No classification provided (evidence only). Condition: Alagille syndrome. Review status: no classification provided. Collection method: research. Allele origin: not applicable. Functional consequence: functionally_abnormal.
ClinVar note: "not provided" was previously submitted as the classification for the variant. However, the classification appeared to be based only on an observation of functional data so it was converted to no classification on 2025-07-30.